The following is an entry in ClinVar:

ClinVar aggregate classification (germline): Likely benign. Review status: criteria provided, multiple submitters, no conflicts (2 of 4 stars). 2 submissions from 2 submitters: Likely benign (2). Last evaluated 2018-06-14.

Allele frequency attached by ClinVar (database versions not stated): gnomAD exomes 0.00048 and 0.00118; ExAC 0.00159; 1000 Genomes Project 30x 0.00515; gnomAD 0.00517 and 0.00561; 1000 Genomes Project 0.00519; ESP Exome Variant Server 0.00541; TOPMed 0.00583.
gnomAD v4.1: 1,539 of 1,609,298 alleles (0.096%); highest among the groups gnomAD compares: African/African-American, 1.8%; 22 homozygotes.

Submissions (2):

GeneDx
Classification: Likely benign. Last evaluated: 2018-06-14. Review status: criteria provided, single submitter. Criteria: GeneDx Variant Classification (06012015). Collection method: clinical testing. Allele origin: germline. Affected: yes.
Comment: This variant is considered likely benign or benign based on one or more of the following criteria: it is a conservative change, it occurs at a poorly conserved position in the protein, it is predicted to be benign by multiple in silico algorithms, and/or has population frequency not consistent with disease.

Breakthrough Genomics
Classification: Likely benign. Review status: criteria provided, single submitter. Criteria: ACMG Guidelines, 2015. Collection method: not provided. Allele origin: germline. Inheritance: Autosomal recessive inheritance. Affected: yes.

NM_001267550.2(TTN):c.29134+33C>G

Gene: TTN (titin; minus strand). Cytogenetic location: 2q31.2.
Variant type: single nucleotide variant.
Coding change: c.29134+33C>G on transcript NM_001267550.2 (MANE Select); 33 bases into the intron after coding-DNA position 29134, C replaced by G.
Molecular consequence: intron variant.
Genome position (GRCh38, 1-based): chr2:178,706,829, G>C on the plus strand (C>G on the coding strand, the complement: TTN is on the minus strand). VCF-style: chr2-178706829-G-C. GRCh37 (hg19) VCF-style: chr2-179571556-G-C.
Other names: c.13282+31253C>G (NM_003319.4); c.13858+31253C>G (NM_133437.4); c.13657+31253C>G (NM_133432.3); c.25402+33C>G (NM_133378.4); c.28183+33C>G (NM_001256850.1).
Identifiers: ClinVar variation 675642 (VCV000675642.2), dbSNP rs115760930, ClinGen allele CA1999450.